The following is an entry in ClinVar:

ClinVar aggregate classification (germline): Uncertain significance (1 of 4 stars; one submission).

Conditions:
ABCB4-related disorder. Also called: ABCB4-related disorders; ABCB4-related condition.

Submission:

PreventionGenetics, part of Exact Sciences
Classification: Uncertain significance for ABCB4-related condition. Last evaluated: 2025-03-26. Review status: criteria provided, single submitter. Criteria: ACMG Guidelines, 2015. Collection method: clinical testing. Allele origin: germline.
Comment: The ABCB4 c.3484C>T variant is predicted to result in the amino acid substitution p.His1162Tyr. To our knowledge, this variant has not been reported in the literature or in a large population database (gnomAD), indicating this variant is rare. At this time, the clinical significance of this variant is uncertain due to the absence of conclusive functional and genetic evidence.

NM_000443.4(ABCB4):c.3484C>T (p.His1162Tyr)

Gene: ABCB4 (ATP binding cassette subfamily B member 4; minus strand). Cytogenetic location: 7q21.12.
Variant type: single nucleotide variant.
Coding change: c.3484C>T on transcript NM_000443.4 (MANE Select); coding-DNA position 3484, C replaced by T.
Protein change: p.His1162Tyr; replaces histidine 1162 with tyrosine.
Molecular consequence: missense variant.
Genome position (GRCh38, 1-based): chr7:87,406,290, G>A on the plus strand (C>T on the coding strand, the complement: ABCB4 is on the minus strand). VCF-style: chr7-87406290-G-A. GRCh37 (hg19) VCF-style: chr7-87035606-G-A.
Other names: c.3505C>T, p.His1169Tyr (NM_018849.3); c.3343C>T, p.His1115Tyr (NM_018850.3); short protein forms H1169Y, H1115Y, H1162Y.
Identifiers: ClinVar variation 5000934 (VCV005000934.1).